The following is an entry in ClinVar:

NM_002778.4(PSAP):c.207_209del (p.Val70del)

Gene: PSAP (prosaposin; minus strand). Cytogenetic location: 10q22.1.
Variant type: Deletion.
Coding change: c.207_209del on transcript NM_002778.4 (MANE Select); coding-DNA positions 207 to 209, 3 bases deleted (TGT; older notation c.207_209delTGT).
Protein change: p.Val70del; deletes valine 70.
Molecular consequence: inframe deletion.
Genome position (GRCh38, 1-based): chr10:71,831,886-71,831,888, ACA deleted on the plus strand (TGT on the coding strand, the reverse complement: PSAP is on the minus strand); deleting any 3 consecutive bases within chr10:71,831,886-71,831,890 gives the same sequence; the c. name uses the placement nearest the transcript's 3' end. VCF-style (leftmost placement, unchanged base first): chr10-71831885-GACA-G. GRCh37 (hg19) VCF-style: chr10-73591642-GACA-G.
Other names: c.207_209del, p.Val70del (NM_001042465.3, NM_001042466.3); short protein forms V70del.
Identifiers: ClinVar variation 13369 (VCV000013369.4), dbSNP rs757687480, ClinGen allele CA5547847.

ClinVar aggregate classification (germline): Uncertain significance. Review status: criteria provided, single submitter (1 of 4 stars). 2 submissions from 2 submitters: Uncertain significance (1). 1 of the submissions does not count toward it. Last evaluated 2022-03-19.

Conditions:
Krabbe disease due to saposin A deficiency. Also called: KRABBE DISEASE, ATYPICAL, DUE TO SAPOSIN A DEFICIENCY; Saposin A Deficiency. Identifiers: Orphanet 487, MedGen C2673266, MONDO:0012720, OMIM 611722.
Sphingolipid activator protein 1 deficiency. Also called: Metachromatic leukodystrophy due to saposin B deficiency; Saposin B Deficiency; METACHROMATIC LEUKODYSTROPHY DUE TO CEREBROSIDE SULFATASE ACTIVATOR DEFICIENCY. Identifiers: Orphanet 512, MedGen C0268262, MONDO:0009590, OMIM 249900.

Submissions (2):

Labcorp Genetics (formerly Invitae), Labcorp
Classification: Uncertain significance for Sphingolipid activator protein 1 deficiency. Last evaluated: 2022-03-19. Review status: criteria provided, single submitter. Criteria: Invitae Variant Classification Sherloc (09022015). Collection method: clinical testing. Allele origin: germline.
Comment: This variant, c.207_209del, results in the deletion of 1 amino acid(s) of the PSAP protein (p.Val70del), but otherwise preserves the integrity of the reading frame. This variant is present in population databases (rs757687480, gnomAD 0.0009%). This variant has been observed in individual(s) with clinical features of combined saposin deficiency (PMID: 15773042). ClinVar contains an entry for this variant (Variation ID: 13369). Experimental studies and prediction algorithms are not available or were not evaluated, and the functional significance of this variant is currently unknown. In summary, the available evidence is currently insufficient to determine the role of this variant in disease. Therefore, it has been classified as a Variant of Uncertain Significance.

OMIM
Classification: Pathogenic for KRABBE DISEASE, ATYPICAL, DUE TO SAPOSIN A DEFICIENCY. Last evaluated: 2005-02-01. Review status: no assertion criteria provided. Collection method: literature only. Allele origin: germline. Not counted in ClinVar's aggregate classification.

Literature cited by the submitters: PubMed 15773042 (cited by Labcorp Genetics (formerly Invitae), Labcorp); Spiegel, R., Bach, G., Sury, V., Mengistu, G., Meidan, B., Shalev, S., Shneor, Y., Mandel, H., Zeigler, M. A mutation in the saposin A coding region of the prosaposin gene in an infant presenting as Krabbe disease: report of saposin A deficiency in humans. Molec. Genet. Metab. 84: 160-166, 2005. (cited by OMIM).